The following is an entry in ClinVar:

NM_032608.7(MYO18B):c.3223C>T (p.Arg1075Trp)

Gene: MYO18B (myosin XVIIIB; plus strand). Cytogenetic location: 22q12.1.
Variant type: single nucleotide variant.
Coding change: c.3223C>T on transcript NM_032608.7 (MANE Select); coding-DNA position 3223, C replaced by T.
Protein change: p.Arg1075Trp; replaces arginine 1075 with tryptophan.
Molecular consequence: missense variant.
Genome position (GRCh38, 1-based): chr22:25,843,749, C>T. VCF-style: chr22-25843749-C-T. GRCh37 (hg19) VCF-style: chr22-26239716-C-T.
Other names: c.3226C>T, p.Arg1076Trp (NM_001318245.2); c.3223C>T (NM_032608.6, NM_032608.5); short protein forms R1075W, R1076W.
Identifiers: ClinVar variation 1386863 (VCV001386863.6), dbSNP rs551672297, ClinGen allele CA10160503.

ClinVar aggregate classification (germline): Uncertain significance. Review status: criteria provided, multiple submitters, no conflicts (2 of 4 stars). 4 submissions from 4 submitters: Uncertain significance (4). Last evaluated 2025-08-19.

Conditions:
Inborn genetic diseases. Identifiers: MedGen C0950123, MeSH D030342.
MYO18B-related disorder. Also called: MYO18B-related condition.

Allele frequency attached by ClinVar (database versions not stated): gnomAD 0.00009 and 0.00011.
gnomAD v4.1: 85 of 1,613,250 alleles (0.0053%); highest among the groups gnomAD compares: Admixed American, 0.027%; no homozygotes.

Submissions (4):

PreventionGenetics, part of Exact Sciences
Classification: Uncertain significance for MYO18B-related condition. Last evaluated: 2025-08-19. Review status: criteria provided, single submitter. Criteria: ACMG Guidelines, 2015. Collection method: clinical testing. Allele origin: germline.
Comment: The MYO18B c.3223C>T variant is predicted to result in the amino acid substitution p.Arg1075Trp. To our knowledge, this variant has not been reported in the literature. This variant is reported in 0.014% of alleles in individuals of Latino descent in gnomAD. At this time, the clinical significance of this variant is uncertain due to the absence of conclusive functional and genetic evidence.

Ambry Genetics
Classification: Uncertain significance for Inborn genetic diseases. Last evaluated: 2023-11-18. Review status: criteria provided, single submitter. Criteria: Ambry Variant Classification Scheme 2023. Collection method: clinical testing. Allele origin: germline.

Blueprint Genetics
Classification: Uncertain significance. Last evaluated: 2023-06-09. Review status: criteria provided, single submitter. Criteria: ACMG Guidelines, 2015. Collection method: clinical testing. Allele origin: germline.

Labcorp Genetics (formerly Invitae), Labcorp
Classification: Uncertain significance. Last evaluated: 2022-08-30. Review status: criteria provided, single submitter. Criteria: Invitae Variant Classification Sherloc (09022015). Collection method: clinical testing. Allele origin: germline.
Comment: This sequence change replaces arginine, which is basic and polar, with tryptophan, which is neutral and slightly polar, at codon 1075 of the MYO18B protein (p.Arg1075Trp). This variant is present in population databases (rs551672297, gnomAD 0.01%). This variant has not been reported in the literature in individuals affected with MYO18B-related conditions. ClinVar contains an entry for this variant (Variation ID: 1386863). Algorithms developed to predict the effect of missense changes on protein structure and function are either unavailable or do not agree on the potential impact of this missense change (SIFT: "Not Available"; PolyPhen-2: "Probably Damaging"; Align-GVGD: "Not Available"). In summary, the available evidence is currently insufficient to determine the role of this variant in disease. Therefore, it has been classified as a Variant of Uncertain Significance.